The following is an entry in ClinVar:

NM_001372106.1(DNAH10):c.666A>C (p.Thr222=)

Gene: DNAH10 (dynein axonemal heavy chain 10; plus strand). Cytogenetic location: 12q24.31.
Variant type: single nucleotide variant.
Coding change: c.666A>C on transcript NM_001372106.1 (MANE Select); coding-DNA position 666, A replaced by C.
Protein change: p.Thr222=; no amino-acid change (threonine 222 retained).
Molecular consequence: synonymous variant.
Genome position (GRCh38, 1-based): chr12:123,781,124, A>C. VCF-style: chr12-123781124-A-C. GRCh37 (hg19) VCF-style: chr12-124265671-A-C.
Other names: c.483A>C, p.Thr161= (NM_001083900.1, NM_207437.3).
Identifiers: ClinVar variation 3033391 (VCV003033391.2), dbSNP rs2542074609, ClinGen allele CA482271594.

ClinVar aggregate classification (germline): Likely benign (0 of 4 stars; one submission).

Conditions:
DNAH10-related disorder. Also called: DNAH10-related condition.

Submission:

PreventionGenetics, part of Exact Sciences
Classification: Likely benign for DNAH10-related condition. Last evaluated: 2019-06-17. Review status: no assertion criteria provided. Collection method: clinical testing. Allele origin: germline.
Comment: This variant is classified as likely benign based on ACMG/AMP sequence variant interpretation guidelines (Richards et al. 2015 PMID: 25741868, with internal and published modifications).